The following is an entry in ClinVar:

ClinVar aggregate classification (germline): Uncertain significance. Review status: criteria provided, multiple submitters, no conflicts (2 of 4 stars). 2 submissions from 2 submitters: Uncertain significance (2). Last evaluated 2022-09-29.

Conditions:
Charcot-Marie-Tooth disease type 4. Also called: Charcot-Marie-Tooth, Type 4; Charcot-Marie-Tooth disease, type IV. Identifiers: Orphanet 64749, MedGen C4082197, MONDO:0018995.
Inborn genetic diseases. Identifiers: MedGen C0950123, MeSH D030342.

Allele frequency attached by ClinVar (database versions not stated): gnomAD exomes below 0.00001; gnomAD 0.00001; TOPMed 0.00001.
gnomAD v4.1: 3 of 1,549,446 alleles (0.00019%); highest among the groups gnomAD compares: Non-Finnish European, 0.00026%; no homozygotes.

Submissions (2):

Ambry Genetics
Classification: Uncertain significance for Inborn genetic diseases. Last evaluated: 2022-09-29. Review status: criteria provided, single submitter. Criteria: Ambry Variant Classification Scheme 2023. Collection method: clinical testing. Allele origin: germline.

Labcorp Genetics (formerly Invitae), Labcorp
Classification: Uncertain significance for Charcot-Marie-Tooth disease type 4. Last evaluated: 2022-01-26. Review status: criteria provided, single submitter. Criteria: Invitae Variant Classification Sherloc (09022015). Collection method: clinical testing. Allele origin: germline.
Comment: In summary, the available evidence is currently insufficient to determine the role of this variant in disease. Therefore, it has been classified as a Variant of Uncertain Significance. Algorithms developed to predict the effect of missense changes on protein structure and function are either unavailable or do not agree on the potential impact of this missense change (SIFT: "Tolerated"; PolyPhen-2: "Possibly Damaging"; Align-GVGD: "Class C0"). This variant has not been reported in the literature in individuals affected with PRX-related conditions. This variant is not present in population databases (gnomAD no frequency). This sequence change replaces valine, which is neutral and non-polar, with methionine, which is neutral and non-polar, at codon 234 of the PRX protein (p.Val234Met).

NM_181882.3(PRX):c.700G>A (p.Val234Met)

Gene: PRX (periaxin; minus strand). Cytogenetic location: 19q13.2.
Variant type: single nucleotide variant.
Coding change: c.700G>A on transcript NM_181882.3 (MANE Select); coding-DNA position 700, G replaced by A.
Protein change: p.Val234Met; replaces valine 234 with methionine.
Molecular consequence: missense variant. On other transcripts: 3 prime UTR variant (1).
Genome position (GRCh38, 1-based): chr19:40,397,652, C>T on the plus strand (G>A on the coding strand, the complement: PRX is on the minus strand). VCF-style: chr19-40397652-C-T. GRCh37 (hg19) VCF-style: chr19-40903559-C-T.
Other names: c.985G>A, p.Val329Met (NM_001411127.1); c.*905G>A (NM_020956.2); short protein forms V234M, V329M.
Identifiers: ClinVar variation 1902061 (VCV001902061.6), dbSNP rs2079454282, ClinGen allele CA405899855.
Genomic context (GRCh38, chr19:40,397,652, plus strand): 5'-GGGCTGAGACCTGGGGGACACCCACCTCCGCCCCTGGCAGCCGCGGCCCAACCAGCTCCA[C>T]CTGAGGGGCTGTGAAACGAGCTCCTGCAGCCACCTCAGCCTCCACCTTGGCTTTCCTGGG-3'
Protein context (NP_870998.2, residues 224-244): AAGARFTAPQ[Val234Met]ELVGPRLPGA